The following is an entry in ClinVar:

ClinVar aggregate classification (germline): Uncertain significance. Review status: criteria provided, multiple submitters, no conflicts (2 of 4 stars). 2 submissions from 2 submitters: Uncertain significance (2). Last evaluated 2024-08-14.

Conditions:
Hereditary cancer-predisposing syndrome. Also called: Tumor predisposition; Hereditary neoplastic syndrome; Neoplastic Syndromes, Hereditary; Hereditary Cancer Syndrome. Identifiers: Orphanet 140162, MedGen C0027672, MeSH D009386, MONDO:0015356.
Retinoblastoma (RB1). Also called: RETINOBLASTOMA, SOMATIC. Identifiers: Orphanet 790, MedGen C0035335, MeSH D012175, MONDO:0008380, OMIM 180200, HP:0009919. Disease mechanism: loss of function. Inheritance: Both sporadic and heritable forms are tested..

Submissions (2):

Ambry Genetics
Classification: Uncertain significance for Hereditary cancer-predisposing syndrome. Last evaluated: 2024-08-14. Review status: criteria provided, single submitter. Criteria: Ambry Variant Classification Scheme 2023. Collection method: clinical testing. Allele origin: germline.
Comment: The p.H784L variant (also known as c.2351A>T), located in coding exon 23 of the RB1 gene, results from an A to T substitution at nucleotide position 2351. The histidine at codon 784 is replaced by leucine, an amino acid with similar properties. This amino acid position is conserved. In addition, the in silico prediction for this alteration is inconclusive. Based on the available evidence, the clinical significance of this variant remains unclear.

Labcorp Genetics (formerly Invitae), Labcorp
Classification: Uncertain significance for Retinoblastoma. Last evaluated: 2022-05-28. Review status: criteria provided, single submitter. Criteria: Invitae Variant Classification Sherloc (09022015). Collection method: clinical testing. Allele origin: germline.
Comment: This variant is not present in population databases (gnomAD no frequency). This sequence change replaces histidine, which is basic and polar, with leucine, which is neutral and non-polar, at codon 784 of the RB1 protein (p.His784Leu). This variant has not been reported in the literature in individuals affected with RB1-related conditions. Algorithms developed to predict the effect of missense changes on protein structure and function are either unavailable or do not agree on the potential impact of this missense change (SIFT: "Deleterious"; PolyPhen-2: "Benign"; Align-GVGD: "Class C35"). In summary, the available evidence is currently insufficient to determine the role of this variant in disease. Therefore, it has been classified as a Variant of Uncertain Significance.

NM_000321.3(RB1):c.2351A>T (p.His784Leu)

Gene: RB1 (RB transcriptional corepressor 1; plus strand). Cytogenetic location: 13q14.2.
Variant type: single nucleotide variant.
Coding change: c.2351A>T on transcript NM_000321.3 (MANE Select); coding-DNA position 2351, A replaced by T.
Protein change: p.His784Leu; replaces histidine 784 with leucine.
Molecular consequence: missense variant.
Genome position (GRCh38, 1-based): chr13:48,465,230, A>T. VCF-style: chr13-48465230-A-T. GRCh37 (hg19) VCF-style: chr13-49039366-A-T.
Other names: c.2351A>T, p.His784Leu (NM_001407165.1); short protein forms H784L.
Identifiers: ClinVar variation 2156771 (VCV002156771.5), dbSNP rs1949432315, ClinGen allele CA388167802.